The following is an entry in ClinVar:

NM_004360.5(CDH1):c.2377A>G (p.Ser793Gly)

Gene: CDH1 (cadherin 1; plus strand). Cytogenetic location: 16q22.1.
Variant type: single nucleotide variant.
Coding change: c.2377A>G on transcript NM_004360.5 (MANE Select); coding-DNA position 2377, A replaced by G.
Protein change: p.Ser793Gly; replaces serine 793 with glycine.
Molecular consequence: missense variant.
Genome position (GRCh38, 1-based): chr16:68,829,735, A>G. VCF-style: chr16-68829735-A-G. GRCh37 (hg19) VCF-style: chr16-68863638-A-G.
Other names: c.2194A>G, p.Ser732Gly (NM_001317184.2); c.829A>G, p.Ser277Gly (NM_001317185.2); c.412A>G, p.Ser138Gly (NM_001317186.2); short protein forms S732G, S277G, S138G, S793G.
Identifiers: ClinVar variation 1463335 (VCV001463335.8), dbSNP rs2152142360, ClinGen allele CA396471114.
Genomic context (GRCh38, chr16:68,829,735, plus strand): 5'-CACAGGGGCCTGGACGCTCGGCCTGAAGTGACTCGTAACGACGTTGCACCAACCCTCATG[A>G]GTGTCCCCCGGTATCTTCCCCGCCCTGCCAATCCCGATGAAATTGGAAATTTTATTGATG-3'
Protein context (NP_004351.1, residues 783-803): TRNDVAPTLM[Ser793Gly]VPRYLPRPAN

ClinVar aggregate classification (germline): Uncertain significance (1 of 4 stars; one submission).

Conditions:
Hereditary diffuse gastric adenocarcinoma (HDGC). Also called: DIFFUSE GASTRIC AND LOBULAR BREAST CANCER SYNDROME. Identifiers: Orphanet 26106, MedGen C1708349, MONDO:0007648, OMIM 137215.

Submission:

Labcorp Genetics (formerly Invitae), Labcorp
Classification: Uncertain significance for Hereditary diffuse gastric adenocarcinoma. Last evaluated: 2022-07-11. Review status: criteria provided, single submitter. Criteria: Invitae Variant Classification Sherloc (09022015). Collection method: clinical testing. Allele origin: germline.
Comment: In summary, the available evidence is currently insufficient to determine the role of this variant in disease. Therefore, it has been classified as a Variant of Uncertain Significance. This sequence change replaces serine, which is neutral and polar, with glycine, which is neutral and non-polar, at codon 793 of the CDH1 protein (p.Ser793Gly). This variant is not present in population databases (gnomAD no frequency). This variant has not been reported in the literature in individuals affected with CDH1-related conditions. ClinVar contains an entry for this variant (Variation ID: 1463335). Algorithms developed to predict the effect of missense changes on protein structure and function (SIFT, PolyPhen-2, Align-GVGD) all suggest that this variant is likely to be tolerated.